The following is an entry in ClinVar:

ClinVar aggregate classification (germline): Pathogenic/Likely pathogenic. Review status: criteria provided, multiple submitters, no conflicts (2 of 4 stars). 5 submissions from 5 submitters: Pathogenic (2); Likely pathogenic (3). Last evaluated 2024-09-05.

Conditions:
Alstrom syndrome (ALMS). Identifiers: Orphanet 64, MedGen C0268425, MONDO:0008763, OMIM 203800.

Submissions (5):

Labcorp Genetics (formerly Invitae), Labcorp
Classification: Pathogenic for Alstrom syndrome. Last evaluated: 2024-09-05. Review status: criteria provided, single submitter. Criteria: Invitae Variant Classification Sherloc (09022015). Collection method: clinical testing. Allele origin: germline.
Comment: This sequence change creates a premature translational stop signal (p.Phe1192Serfs*73) in the ALMS1 gene. It is expected to result in an absent or disrupted protein product. Loss-of-function variants in ALMS1 are known to be pathogenic (PMID: 17594715). This variant is not present in population databases (gnomAD no frequency). This variant has not been reported in the literature in individuals affected with ALMS1-related conditions. ClinVar contains an entry for this variant (Variation ID: 599289). For these reasons, this variant has been classified as Pathogenic.

Natera, Inc.
Classification: Likely pathogenic for Alstrom syndrome. Last evaluated: 2024-02-27. Review status: criteria provided, single submitter. Criteria: Natera Variant Classification Schema (03/2026). Collection method: clinical testing. Allele origin: germline.
Comment: The c.3575delT variant in ALMS1 is a frameshift variant predicted to shift the reading frame beginning at codon 1192 and leads to a stop codon 73 codons downstream. This variant is expected to result in nonsense mediated decay, truncation, or a dysfunctional protein product. This variant is rare in the general population with a frequency below the threshold expected for the associated phenotype(s). Given the available evidence, this variant is classified as Likely Pathogenic.

Fulgent Genetics
Classification: Likely pathogenic for Alstrom syndrome. Last evaluated: 2021-10-02. Review status: criteria provided, single submitter. Criteria: ACMG Guidelines, 2015. Collection method: clinical testing. Allele origin: unknown.

Women's Health and Genetics/Laboratory Corporation of America, LabCorp
Classification: Likely pathogenic for Alstrom syndrome. Last evaluated: 2018-06-04. Review status: criteria provided, single submitter. Criteria: LabCorp Variant Classification Summary - May 2015. Collection method: clinical testing. Allele origin: germline.
Comment: Variant summary: ALMS1 c.3569delT (p.Phe1190SerfsX73, alternative name c.3575delT) results in a premature termination codon, predicted to cause a truncation of the encoded protein or absence of the protein due to nonsense mediated decay, which are commonly known mechanisms for disease. The variant was absent in 276804 control chromosomes (gnomAD). To our knowledge, no occurrence of c.3569delT in individuals affected with Cardiomyopathy and no experimental evidence demonstrating its impact on protein function have been reported. No clinical diagnostic laboratories have submitted clinical-significance assessments for this variant to ClinVar after 2014. Based on the evidence outlined above, the variant was classified as likely pathogenic.

Eurofins Ntd Llc (ga)
Classification: Pathogenic. Last evaluated: 2017-09-26. Review status: criteria provided, single submitter. Criteria: EGL Classification Definitions 2015. Collection method: clinical testing. Allele origin: germline. Observed: 2 variant alleles, 1 heterozygote.

Literature cited by the submitters: PubMed 17594715 (cited by Labcorp Genetics (formerly Invitae), Labcorp).

NM_001378454.1(ALMS1):c.3572del (p.Phe1191fs)

Gene: ALMS1 (ALMS1 centrosome and basal body associated protein; plus strand). Cytogenetic location: 2p13.1.
Variant type: Deletion.
Coding change: c.3572del on transcript NM_001378454.1 (MANE Select); coding-DNA position 3572, one base deleted (T; older notation c.3572delT).
Protein change: p.Phe1191fs; shifts the reading frame from phenylalanine 1191.
Molecular consequence: frameshift variant.
Genome position (GRCh38, 1-based): chr2:73,450,099, T deleted; the last of 2 consecutive T bases (chr2:73,450,098-73,450,099); deleting either gives the same sequence. VCF-style (leftmost placement, unchanged base first): chr2-73450097-CT-C. GRCh37 (hg19) VCF-style: chr2-73677224-CT-C.
Other names: c.3575del, p.Phe1192fs (NM_015120.4); c.3575delT (NM_015120.4); short protein forms F1192fs, F1191fs.
Identifiers: ClinVar variation 599289 (VCV000599289.13), dbSNP rs1558648759, ClinGen allele CA913189902.